The following is an entry in ClinVar:

ClinVar aggregate classification (germline): Uncertain significance. Review status: criteria provided, multiple submitters, no conflicts (2 of 4 stars). 2 submissions from 2 submitters: Uncertain significance (2). Last evaluated 2024-11-26.

Submissions (2):

Ambry Genetics
Classification: Uncertain significance. Last evaluated: 2024-11-26. Review status: criteria provided, single submitter. Criteria: Ambry Variant Classification Scheme 2023. Collection method: clinical testing. Allele origin: germline.
Comment: The p.I266L variant (also known as c.796A>C), located in coding exon 8 of the SRP72 gene, results from an A to C substitution at nucleotide position 796. The isoleucine at codon 266 is replaced by leucine, an amino acid with highly similar properties. This amino acid position is conserved. In addition, this alteration is predicted to be tolerated by in silico analysis. Based on the available evidence, the clinical significance of this variant remains unclear.

GeneDx
Classification: Uncertain significance. Last evaluated: 2024-04-01. Review status: criteria provided, single submitter. Criteria: GeneDx Variant Classification Process June 2021. Collection method: clinical testing. Allele origin: germline. Affected: yes.
Comment: Not observed at significant frequency in large population cohorts (gnomAD); In silico analysis supports that this missense variant does not alter protein structure/function; Has not been previously published as pathogenic or benign to our knowledge

NM_006947.4(SRP72):c.796A>C (p.Ile266Leu)

Gene: SRP72 (signal recognition particle 72; plus strand). Cytogenetic location: 4q12.
Variant type: single nucleotide variant.
Coding change: c.796A>C on transcript NM_006947.4 (MANE Select); coding-DNA position 796, A replaced by C.
Protein change: p.Ile266Leu; replaces isoleucine 266 with leucine.
Molecular consequence: missense variant. On other transcripts: non-coding transcript variant (1), intron variant (1).
Genome position (GRCh38, 1-based): chr4:56,478,620, A>C. VCF-style: chr4-56478620-A-C. GRCh37 (hg19) VCF-style: chr4-57344786-A-C.
Other names: c.642+1918A>C (NM_001267722.2); short protein forms I266L.
Identifiers: ClinVar variation 3371729 (VCV003371729.2).